The following is an entry in ClinVar:

ClinVar aggregate classification (germline): Likely benign (1 of 4 stars; one submission).

Allele frequency attached by ClinVar (database versions not stated): gnomAD 0.00001; ExAC 0.00002.

Submission:

CeGaT Center for Human Genetics Tuebingen
Classification: Likely benign. Last evaluated: 2023-07-01. Review status: criteria provided, single submitter. Criteria: CeGaT Center For Human Genetics Tuebingen Variant Classification Criteria Version 2. Collection method: clinical testing. Allele origin: germline. Affected: yes. Observed: 1 variant allele.
Comment: AFG3L2: BP4, BP7

NM_006796.3(AFG3L2):c.570C>T (p.Val190=)

Gene: AFG3L2 (AFG3 like matrix AAA peptidase subunit 2; minus strand). Cytogenetic location: 18p11.21.
Variant type: single nucleotide variant.
Coding change: c.570C>T on transcript NM_006796.3 (MANE Select); coding-DNA position 570, C replaced by T.
Protein change: p.Val190=; no amino-acid change (valine 190 retained).
Molecular consequence: synonymous variant.
Genome position (GRCh38, 1-based): chr18:12,363,839, G>A on the plus strand (C>T on the coding strand, the complement: AFG3L2 is on the minus strand). VCF-style: chr18-12363839-G-A. GRCh37 (hg19) VCF-style: chr18-12363838-G-A.
Identifiers: ClinVar variation 2578807 (VCV002578807.25), dbSNP rs756146861, ClinGen allele CA8896713.